The following is an entry in ClinVar:

NM_014795.4(ZEB2):c.432dup (p.Glu145Ter)

Gene: ZEB2 (zinc finger E-box binding homeobox 2; minus strand). Cytogenetic location: 2q22.3.
Variant type: Duplication.
Coding change: c.432dup on transcript NM_014795.4 (MANE Select); coding-DNA position 432, one base duplicated (T; older notation c.432dupT).
Protein change: p.Glu145Ter; replaces glutamic acid 145 with a stop codon.
Molecular consequence: nonsense.
Genome position (GRCh38, 1-based): chr2:144,404,996, A duplicated on the plus strand (T on the coding strand, the reverse complement: ZEB2 is on the minus strand); the first of 4 consecutive A bases (chr2:144,404,996-144,404,999); duplicating any one gives the same sequence. VCF-style (leftmost placement, unchanged base first): chr2-144404995-C-CA. GRCh37 (hg19) VCF-style: chr2-145162562-C-CA.
Other names: c.360dup, p.Glu121Ter (NM_001171653.2); c.432dupT (NM_014795.3); short protein forms E145*, E121*.
Identifiers: ClinVar variation 572710 (VCV000572710.8), dbSNP rs1560609810, ClinGen allele CA891843436.

ClinVar aggregate classification (germline): Pathogenic (1 of 4 stars; one submission).

Conditions:
Mowat-Wilson syndrome (MOWS). Also called: Classic Mowat-Wilson Syndrome. Identifiers: Orphanet 2152, MedGen C1856113, MONDO:0009341, OMIM 235730.

Submission:

Labcorp Genetics (formerly Invitae), Labcorp
Classification: Pathogenic for Mowat-Wilson syndrome. Last evaluated: 2022-02-04. Review status: criteria provided, single submitter. Criteria: Invitae Variant Classification Sherloc (09022015). Collection method: clinical testing. Allele origin: germline.
Comment: This sequence change creates a premature translational stop signal (p.Glu145*) in the ZEB2 gene. It is expected to result in an absent or disrupted protein product. Loss-of-function variants in ZEB2 are known to be pathogenic (PMID: 16053902). For these reasons, this variant has been classified as Pathogenic. ClinVar contains an entry for this variant (Variation ID: 572710). This variant has not been reported in the literature in individuals affected with ZEB2-related conditions. This variant is not present in population databases (gnomAD no frequency).

Literature cited by the submitters: PubMed 16053902.